The following is an entry in ClinVar:

ClinVar aggregate classification (germline): Likely benign. Review status: criteria provided, single submitter (1 of 4 stars). 2 submissions from 2 submitters: Likely benign (1). 1 of the submissions does not count toward it. Last evaluated 2025-12-01.

Conditions:
AMACR-related disorder. Also called: AMACR-Related Disorders; AMACR-related condition.
Alpha-methylacyl-CoA racemase deficiency (AMACRD). Also called: AMACR deficiency. Identifiers: Orphanet 79095, MedGen C3280428, MONDO:0013681, OMIM 614307. Disease mechanism: loss of function.

Allele frequency attached by ClinVar (database versions not stated): gnomAD exomes below 0.00001 and 0.00001; ExAC 0.00002; TOPMed 0.00004; gnomAD 0.00005 and 0.00006; ESP Exome Variant Server 0.00008.
gnomAD v4.1: 11 of 1,614,026 alleles (0.00068%); highest among the groups gnomAD compares: African/African-American, 0.015%; no homozygotes.

Submissions (2):

Labcorp Genetics (formerly Invitae), Labcorp
Classification: Likely benign for Alpha-methylacyl-CoA racemase deficiency. Last evaluated: 2025-12-01. Review status: criteria provided, single submitter. Criteria: Invitae Variant Classification Sherloc (09022015). Collection method: clinical testing. Allele origin: germline.

PreventionGenetics, part of Exact Sciences
Classification: Likely benign for AMACR-related condition. Last evaluated: 2023-02-17. Review status: no assertion criteria provided. Collection method: clinical testing. Allele origin: germline. Not counted in ClinVar's aggregate classification.
Comment: This variant is classified as likely benign based on ACMG/AMP sequence variant interpretation guidelines (Richards et al. 2015 PMID: 25741868, with internal and published modifications).

NM_014324.6(AMACR):c.248-4T>C

Genes: AMACR (alpha-methylacyl-CoA racemase; minus strand), C1QTNF3-AMACR (C1QTNF3-AMACR readthrough (NMD candidate); minus strand). Cytogenetic location: 5p13.2.
Variant type: single nucleotide variant.
Coding change: c.248-4T>C on transcript NM_014324.6 (MANE Select); 4 bases into the intron before coding-DNA position 248, T replaced by C.
Molecular consequence: intron variant.
Genome position (GRCh38, 1-based): chr5:34,005,903, A>G on the plus strand (T>C on the coding strand, the complement: AMACR is on the minus strand). VCF-style: chr5-34005903-A-G. GRCh37 (hg19) VCF-style: chr5-34006008-A-G.
Other names: c.248-4T>C (NM_014324.5, NM_203382.3, NM_001167595.2).
Identifiers: ClinVar variation 1626351 (VCV001626351.10), dbSNP rs374882967, ClinGen allele CA3226253.